The following is an entry in ClinVar:

NM_000268.4(NF2):c.60_61insT (p.Thr21fs)

Gene: NF2 (NF2, moesin-ezrin-radixin like (MERLIN) tumor suppressor; plus strand). Cytogenetic location: 22q12.2.
Variant type: Insertion.
Coding change: c.60_61insT on transcript NM_000268.4 (MANE Select); coding-DNA positions 60 to 61, T inserted.
Protein change: p.Thr21fs; shifts the reading frame from threonine 21.
Molecular consequence: frameshift variant. On other transcripts: 5 prime UTR variant (4), non-coding transcript variant (1).
Genome position: GRCh38 VCF-style: chr22-29604058-G-GT. GRCh37 (hg19) VCF-style: chr22-30000047-G-GT.
Other names: c.60_61insT, p.Thr21fs (NM_001407064.1, NM_001407066.1, NM_016418.5 and 15 more transcripts); c.-581_-580insT (NM_001407065.1); c.-197_-196insT (NM_001407067.1); c.-171_-170insT (NM_001407053.1, NM_001407056.1); short protein forms T21fs.
Identifiers: ClinVar variation 3654746 (VCV003654746.2).

ClinVar aggregate classification (germline): Pathogenic (1 of 4 stars; one submission).

Conditions:
Neurofibromatosis, type 2 (SWNV). Also called: BILATERAL ACOUSTIC NEUROFIBROMATOSIS; SCHWANNOMATOSIS, VESTIBULAR; NF2-Related Schwannomatosis. Identifiers: Orphanet 637, MedGen C0027832, MONDO:0007039, OMIM 101000. Disease mechanism: loss of function.

Submission:

Labcorp Genetics (formerly Invitae), Labcorp
Classification: Pathogenic for Neurofibromatosis, type 2. Last evaluated: 2024-05-27. Review status: criteria provided, single submitter. Criteria: Invitae Variant Classification Sherloc (09022015). Collection method: clinical testing. Allele origin: germline.
Comment: This sequence change creates a premature translational stop signal (p.Thr21Tyrfs*28) in the NF2 gene. It is expected to result in an absent or disrupted protein product. Loss-of-function variants in NF2 are known to be pathogenic (PMID: 9643284, 16983642). This variant is not present in population databases (gnomAD no frequency). This variant has not been reported in the literature in individuals affected with NF2-related conditions. For these reasons, this variant has been classified as Pathogenic.

Literature cited by the submitters: PubMed 9643284; PubMed 16983642.